The following is an entry in ClinVar:

ClinVar aggregate classification (germline): Uncertain significance (1 of 4 stars; one submission).

Conditions:
Aneurysm-osteoarthritis syndrome. Also called: LOEYS-DIETZ SYNDROME WITH OSTEOARTHRITIS; SMAD3-Related Loeys-Dietz Syndrome; ANEURYSMS-OSTEOARTHRITIS SYNDROME; Loeys-Dietz syndrome, type 1C. Identifiers: Orphanet 284984, MedGen C3151087, MONDO:0013426, OMIM 613795.

Submission:

All of Us Research Program, National Institutes of Health
Classification: Uncertain significance for Aneurysm-osteoarthritis syndrome. Last evaluated: 2024-05-30. Review status: criteria provided, single submitter. Criteria: ACMG Guidelines, 2015. Collection method: clinical testing. Allele origin: germline. Inheritance: Autosomal dominant inheritance. Observed: 1 variant allele, 1 heterozygote.
Comment: This missense variant replaces asparagine with serine at codon 217 of the SMAD3 protein. Computational prediction suggests that this variant may not impact protein structure and function (internally defined REVEL score threshold <= 0.5, PMID: 27666373). To our knowledge, functional studies have not been reported for this variant. This variant has not been reported in individuals affected with SMAD3-related disorders in the literature. This variant has been identified in 1/251402 chromosomes in the general population by the Genome Aggregation Database (gnomAD). The available evidence is insufficient to determine the role of this variant in disease conclusively. Therefore, this variant is classified as a Variant of Uncertain Significance.

This study involves interpretation of variants in research participants for the purpose of population health screening. Participant phenotype was not available at the time of variant classification. Additional details can be found in publication PMID: 35346344, PMCID: PMC8962531

NM_005902.4(SMAD3):c.650A>G (p.Asn217Ser)

Gene: SMAD3 (SMAD family member 3; plus strand). Cytogenetic location: 15q22.33.
Variant type: single nucleotide variant.
Coding change: c.650A>G on transcript NM_005902.4 (MANE Select); coding-DNA position 650, A replaced by G.
Protein change: p.Asn217Ser; replaces asparagine 217 with serine.
Molecular consequence: missense variant.
Genome position (GRCh38, 1-based): chr15:67,170,596, A>G. VCF-style: chr15-67170596-A-G. GRCh37 (hg19) VCF-style: chr15-67462934-A-G.
Other names: c.335A>G, p.Asn112Ser (NM_001145102.2, NM_001407016.1); c.518A>G, p.Asn173Ser (NM_001145103.2, NM_001407012.1); c.65A>G, p.Asn22Ser (NM_001145104.2, NM_001407017.1); c.650A>G, p.Asn217Ser (NM_001407011.1, NM_001407013.1); c.503A>G, p.Asn168Ser (NM_001407014.1); c.203A>G, p.Asn68Ser (NM_001407015.1); short protein forms N112S, N168S, N173S, N217S, N22S, N68S.
Identifiers: ClinVar variation 3386014 (VCV003386014.1).
Genomic context (GRCh38, chr15:67,170,596, plus strand): 5'-ACTTGTCTCACCTCGCAGGTTCTCCAAACCTATCCCCGAATCCGATGTCCCCAGCACATA[A>G]TAACTTGGGTGAGTATCTCCTTGTGCACACAACTGGAACCCCCTCTAGCTGCAGCCCTGG-3'
Protein context (NP_005893.1, residues 207-227): LSPNPMSPAH[Asn217Ser]NLDLQPVTYC